The following is an entry in ClinVar:

ClinVar aggregate classification (germline): Benign (1 of 4 stars; one submission).

Allele frequency attached by ClinVar (database versions not stated): gnomAD 0.02618 and 0.02784; TOPMed 0.02932; 1000 Genomes Project 0.03055; 1000 Genomes Project 30x 0.03513.
gnomAD v4.1: 3,948 of 152,274 alleles (2.6%); highest among the groups gnomAD compares: African/African-American, 9%; 171 homozygotes.

Submission:

GeneDx
Classification: Benign. Last evaluated: 2018-06-16. Review status: criteria provided, single submitter. Criteria: GeneDx Variant Classification (06012015). Collection method: clinical testing. Allele origin: germline. Affected: yes.
Comment: This variant is considered likely benign or benign based on one or more of the following criteria: it is a conservative change, it occurs at a poorly conserved position in the protein, it is predicted to be benign by multiple in silico algorithms, and/or has population frequency not consistent with disease.

NM_203447.4(DOCK8):c.828-269T>C

Gene: DOCK8 (dedicator of cytokinesis 8; plus strand). Cytogenetic location: 9p24.3.
Variant type: single nucleotide variant.
Coding change: c.828-269T>C on transcript NM_203447.4 (MANE Select); 269 bases into the intron before coding-DNA position 828, T replaced by C.
Molecular consequence: intron variant.
Genome position (GRCh38, 1-based): chr9:325,402, T>C. VCF-style: chr9-325402-T-C. GRCh37 (hg19) VCF-style: chr9-325402-T-C.
Other names: c.624-269T>C (NM_001193536.2, NM_001190458.2).
Identifiers: ClinVar variation 673396 (VCV000673396.1), dbSNP rs113182827, ClinGen allele CA187747162.